The following is an entry in ClinVar:

NM_004006.3(DMD):c.8925C>T (p.Leu2975=)

Gene: DMD (dystrophin; minus strand). Cytogenetic location: Xp21.2.
Variant type: single nucleotide variant.
Coding change: c.8925C>T on transcript NM_004006.3 (MANE Select); coding-DNA position 8925, C replaced by T.
Protein change: p.Leu2975=; no amino-acid change (leucine 2975 retained).
Molecular consequence: synonymous variant.
Genome position (GRCh38, 1-based): chrX:31,478,118, G>A on the plus strand (C>T on the coding strand, the complement: DMD is on the minus strand). VCF-style: chrX-31478118-G-A. GRCh37 (hg19) VCF-style: chrX-31496235-G-A.
Other names: p.Leu2975=; c.8901C>T, p.Leu2967= (NM_000109.4); c.8913C>T, p.Leu2971= (NM_004009.3); c.8556C>T, p.Leu2852= (NM_004010.3); c.4902C>T, p.Leu1634= (NM_004011.4); c.4893C>T, p.Leu1631= (NM_004012.4); c.1545C>T, p.Leu515= (NM_004013.3, NM_004020.4, NM_004021.3 and 2 more transcripts); c.738C>T, p.Leu246= (NM_004014.3).
Identifiers: ClinVar variation 699118 (VCV000699118.33), dbSNP rs374063420, ClinGen allele CA10377965.

ClinVar aggregate classification (germline): Benign/Likely benign. Review status: criteria provided, multiple submitters, no conflicts (2 of 4 stars). 5 submissions from 5 submitters: Benign (1); Likely benign (3). 1 of the submissions does not count toward it. Last evaluated 2025-12-29.

Conditions:
Cardiovascular phenotype. Identifiers: MedGen CN230736.
Becker muscular dystrophy (BMD). Also called: Becker Muscular Dystrophy (BMD); MUSCULAR DYSTROPHY, PSEUDOHYPERTROPHIC PROGRESSIVE, BECKER TYPE. Identifiers: Orphanet 98895, MedGen C0917713, MONDO:0010311, OMIM 300376.
Duchenne muscular dystrophy (DMD). Also called: MUSCULAR DYSTROPHY, PSEUDOHYPERTROPHIC PROGRESSIVE, DUCHENNE TYPE; Duchenne Muscular Dystrophy (DMD). Identifiers: Orphanet 98896, MedGen C0013264, MONDO:0010679, OMIM 310200.
Cardiomyopathy (CMYO). Also called: Cardiomyopathies. Identifiers: Orphanet 167848, MedGen C0878544, MONDO:0004994, HP:0001638. Inheritance: Various modes of inheritance.
Dystrophin deficiency.

Allele frequency attached by ClinVar (database versions not stated): TOPMed 0.00004; gnomAD 0.00008; ESP Exome Variant Server 0.00009; 1000 Genomes Project 30x 0.00042.
gnomAD v4.1: 175 of 1,208,636 alleles (0.014%); highest among the groups gnomAD compares: Middle Eastern, 0.023%; no homozygotes.

Submissions (5):

Labcorp Genetics (formerly Invitae), Labcorp
Classification: Benign for Duchenne muscular dystrophy. Last evaluated: 2025-12-29. Review status: criteria provided, single submitter. Criteria: Invitae Variant Classification Sherloc (09022015). Collection method: clinical testing. Allele origin: germline.

Mayo Clinic Laboratories, Mayo Clinic
Classification: Likely benign. Last evaluated: 2025-09-16. Review status: criteria provided, single submitter. Criteria: ACMG Guidelines, 2015. Collection method: clinical testing. Allele origin: germline. Observed: 1 variant allele.
Comment: BS2, BP4, BP7

CeGaT Center for Human Genetics Tuebingen
Classification: Likely benign. Last evaluated: 2024-06-01. Review status: criteria provided, single submitter. Criteria: CeGaT Center For Human Genetics Tuebingen Variant Classification Criteria Version 2. Collection method: clinical testing. Allele origin: germline. Affected: yes. Observed: 1 variant allele.
Comment: DMD: BP4, BP7, BS2

Ambry Genetics
Classification: Likely benign for Cardiovascular phenotype. Last evaluated: 2022-03-23. Review status: criteria provided, single submitter. Criteria: Ambry Variant Classification Scheme 2023. Collection method: clinical testing. Allele origin: germline.

Natera, Inc.
Classification: Likely benign for Becker muscular dystrophy; Cardiomyopathy; Duchenne muscular dystrophy; Dystrophin deficiency. Last evaluated: 2019-07-01. Review status: no assertion criteria provided. Collection method: clinical testing. Allele origin: germline. Not counted in ClinVar's aggregate classification.